The following is an entry in ClinVar:

NM_002691.4(POLD1):c.251C>A (p.Pro84Gln)

Gene: POLD1 (DNA polymerase delta 1, catalytic subunit; plus strand). Cytogenetic location: 19q13.33.
Variant type: single nucleotide variant.
Coding change: c.251C>A on transcript NM_002691.4 (MANE Select); coding-DNA position 251, C replaced by A.
Protein change: p.Pro84Gln; replaces proline 84 with glutamine.
Molecular consequence: missense variant. On other transcripts: non-coding transcript variant (1).
Genome position (GRCh38, 1-based): chr19:50,399,419, C>A. VCF-style: chr19-50399419-C-A. GRCh37 (hg19) VCF-style: chr19-50902676-C-A.
Other names: c.251C>A, p.Pro84Gln (NM_001256849.1, NM_001308632.1, NM_001438210.1 and 3 more transcripts); short protein forms P84Q.
Identifiers: ClinVar variation 4743518 (VCV004743518.1).
Genomic context (GRCh38, chr19:50,399,419, plus strand): 5'-TTCCCCCACCAGGGCAGGTCCCACCATCAGCCATAGATCCTCGCTGGCTTCGGCCCACAC[C>A]ACCAGCGCTGGACCCCCAGACAGAGCCCCTCATCTTCCAACAGTTGGAGATTGACCATTA-3'
Protein context (NP_002682.2, residues 74-94): AIDPRWLRPT[Pro84Gln]PALDPQTEPL

ClinVar aggregate classification (germline): Uncertain significance (1 of 4 stars; one submission).

Conditions:
POLD1-related polyposis and colorectal cancer syndrome (CRCS10). Also called: COLORECTAL CANCER, SUSCEPTIBILITY TO, ON CHROMOSOME 19q; Colorectal cancer 10; Colorectal cancer, susceptibility to, 10. Identifiers: Orphanet 220460, MedGen C2675481, MONDO:0012953, OMIM 612591.

Submission:

Labcorp Genetics (formerly Invitae), Labcorp
Classification: Uncertain significance for POLD1-related polyposis and colorectal cancer syndrome. Last evaluated: 2025-05-14. Review status: criteria provided, single submitter. Criteria: Invitae Variant Classification Sherloc (09022015). Collection method: clinical testing. Allele origin: germline.
Comment: This sequence change replaces proline, which is neutral and non-polar, with glutamine, which is neutral and polar, at codon 84 of the POLD1 protein (p.Pro84Gln). This variant is not present in population databases (gnomAD no frequency). This variant has not been reported in the literature in individuals affected with POLD1-related conditions. Invitae Evidence Modeling of protein sequence and biophysical properties (such as structural, functional, and spatial information, amino acid conservation, physicochemical variation, residue mobility, and thermodynamic stability) indicates that this missense variant is not expected to disrupt POLD1 protein function with a negative predictive value of 80%. In summary, the available evidence is currently insufficient to determine the role of this variant in disease. Therefore, it has been classified as a Variant of Uncertain Significance.